The following is an entry in ClinVar:

NC_000003.11:g.(?_167402096)_(167405501_?)del

Gene: PDCD10 (programmed cell death 10; minus strand). Cytogenetic location: 3q26.1.
Variant type: Deletion.
Identifiers: ClinVar variation 1460202 (VCV001460202.7).

ClinVar aggregate classification (germline): Pathogenic (1 of 4 stars; one submission).

Conditions:
Cerebral cavernous malformation 3. Also called: Familial Cerebral Cavernous Malformation 3. Identifiers: Orphanet 221061, MedGen C1864040, MONDO:0011305, OMIM 603285.

Submission:

Labcorp Genetics (formerly Invitae), Labcorp
Classification: Pathogenic for Cerebral cavernous malformation 3. Last evaluated: 2021-12-23. Review status: criteria provided, single submitter. Criteria: Invitae Variant Classification Sherloc (09022015). Collection method: clinical testing. Allele origin: germline.
Comment: This variant is a gross deletion of the genomic region encompassing exon(s) 6-8 of the PDCD10 gene, which includes the termination codon. This deletion extends beyond the assayed region for this gene and therefore may encompass additional genes. While this deletion is not anticipated to lead to nonsense mediated decay, it is expected to alter mRNA translation or result in a truncated protein product. For these reasons, this variant has been classified as Pathogenic. This variant disrupts a region of the PDCD10 protein in which other variant(s) (p.Arg196*) have been determined to be pathogenic (PMID: 15543491). This suggests that this is a clinically significant region of the protein, and that variants that disrupt it are likely to be disease-causing. This variant is also known as deletion of exons 7-9. A similar copy number variant has been observed in individual(s) with clinical features of PDCD10-related conditions (PMID: 23595507, 23801932).

Literature cited by the submitters: PubMed 15543491; PubMed 23595507; PubMed 23801932.